The following is an entry in ClinVar:

NM_002861.5(PCYT2):c.760-80C>T

Gene: PCYT2 (phosphate cytidylyltransferase 2, ethanolamine; minus strand). Cytogenetic location: 17q25.3.
Variant type: single nucleotide variant.
Coding change: c.760-80C>T on transcript NM_002861.5 (MANE Select); 80 bases into the intron before coding-DNA position 760, C replaced by T.
Molecular consequence: intron variant.
Genome position (GRCh38, 1-based): chr17:81,906,257, G>A on the plus strand (C>T on the coding strand, the complement: PCYT2 is on the minus strand). VCF-style: chr17-81906257-G-A. GRCh37 (hg19) VCF-style: chr17-79864133-G-A.
Other names: c.598-80C>T (NM_001256433.3); c.637-80C>T (NM_001256434.3); c.760-80C>T (NM_001330518.2); c.814-80C>T (NM_001184917.3); c.526-80C>T (NM_001256435.3, NM_001282203.2); c.664-80C>T (NM_001282204.2).
Identifiers: ClinVar variation 3775516 (VCV003775516.1).
Genomic context (GRCh38, chr17:81,906,257, plus strand): 5'-AGCTCAGCCCGGAGACTTTTTGGGGGGACAGGGTGTGCCCCTCCCGGCTGTCCCTCATGG[G>A]AAGAAGTCGGGGAGGTTGCTCGCCCTTGTGGGGATGCCCCAGACAGGACAGCCCTGGACC-3'

ClinVar aggregate classification (germline): Uncertain significance (1 of 4 stars; one submission).

Conditions:
Spastic paraplegia 82, autosomal recessive (SPG82). Identifiers: Orphanet 631073, MedGen C5394037, MONDO:0032906, OMIM 618770.

gnomAD v4.1: 81 of 1,337,498 alleles (0.0061%); highest among the groups gnomAD compares: African/African-American, 0.099%; 1 homozygote.

Submission:

3billion
Classification: Uncertain significance for Spastic paraplegia 82, autosomal recessive. Last evaluated: 2023-09-13. Review status: criteria provided, single submitter. Criteria: ACMG Guidelines, 2015. Collection method: clinical testing. Allele origin: germline. Affected: yes.
Comment: The variant is observed at an extremely low frequency in the gnomAD v2.1.1 dataset (total allele frequency: 0.026%). Predicted Consequence/Location: Intron variant Therefore, this variant is classified as VUS according to the recommendation of ACMG/AMP guideline.